The following is an entry in ClinVar:

NM_001330360.2(POLA1):c.2220A>T (p.Glu740Asp)

Gene: POLA1 (DNA polymerase alpha 1, catalytic subunit; plus strand). Cytogenetic location: Xp22.11.
Variant type: single nucleotide variant.
Coding change: c.2220A>T on transcript NM_001330360.2 (MANE Select); coding-DNA position 2220, A replaced by T.
Protein change: p.Glu740Asp; replaces glutamic acid 740 with aspartic acid.
Molecular consequence: missense variant. On other transcripts: non-coding transcript variant (2).
Genome position (GRCh38, 1-based): chrX:24,741,378, A>T. VCF-style: chrX-24741378-A-T. GRCh37 (hg19) VCF-style: chrX-24759495-A-T.
Other names: c.2145A>T, p.Glu715Asp (NM_001378303.1); c.2202A>T, p.Glu734Asp (NM_016937.4); c.2202A>T (NM_016937.3); short protein forms E734D, E715D, E740D.
Identifiers: ClinVar variation 3700707 (VCV003700707.3).

ClinVar aggregate classification (germline): Uncertain significance. Review status: criteria provided, multiple submitters, no conflicts (2 of 4 stars). 2 submissions from 2 submitters: Uncertain significance (2). Last evaluated 2025-08-05.

Conditions:
Inborn genetic diseases. Identifiers: MedGen C0950123, MeSH D030342.

gnomAD v4.1: 15 of 1,190,162 alleles (0.0013%); highest among the groups gnomAD compares: Non-Finnish European, 0.0017%; no homozygotes.

Submissions (2):

Ambry Genetics
Classification: Uncertain significance for Inborn genetic diseases. Last evaluated: 2025-08-05. Review status: criteria provided, single submitter. Criteria: Ambry Variant Classification Scheme 2023. Collection method: clinical testing. Allele origin: germline.

Labcorp Genetics (formerly Invitae), Labcorp
Classification: Uncertain significance. Last evaluated: 2024-04-09. Review status: criteria provided, single submitter. Criteria: Invitae Variant Classification Sherloc (09022015). Collection method: clinical testing. Allele origin: germline.
Comment: This sequence change replaces glutamic acid, which is acidic and polar, with aspartic acid, which is acidic and polar, at codon 734 of the POLA1 protein (p.Glu734Asp). This variant is present in population databases (no rsID available, gnomAD 0.001%), including at least one homozygous and/or hemizygous individual. This variant has not been reported in the literature in individuals affected with POLA1-related conditions. Advanced modeling of protein sequence and biophysical properties (such as structural, functional, and spatial information, amino acid conservation, physicochemical variation, residue mobility, and thermodynamic stability) performed at Invitae indicates that this missense variant is not expected to disrupt POLA1 protein function with a negative predictive value of 80%. In summary, the available evidence is currently insufficient to determine the role of this variant in disease. Therefore, it has been classified as a Variant of Uncertain Significance.